The following is an entry in ClinVar:

NC_000016.9:g.(?_21270102)_(21289661_?)dup

Gene: CRYM (crystallin mu; minus strand). Cytogenetic location: 16p12.2.
Variant type: Duplication.
Identifiers: ClinVar variation 3243631 (VCV003243631.1).

ClinVar aggregate classification (germline): Uncertain significance (1 of 4 stars; one submission).

Submission:

Labcorp Genetics (formerly Invitae), Labcorp
Classification: Uncertain significance. Last evaluated: 2023-09-27. Review status: criteria provided, single submitter. Criteria: Invitae Variant Classification Sherloc (09022015). Collection method: clinical testing. Allele origin: unknown.
Comment: A copy number gain of the genomic region encompassing the full coding sequence of the CRYM gene has been identified. The boundaries of this event are unknown as they extend beyond the assayed region for this gene and therefore may encompass additional genes. As the precise location of this event is unknown, it may be in tandem or it may be located elsewhere in the genome. This variant has not been reported in the literature in individuals affected with CRYM-related conditions. In summary, the available evidence is currently insufficient to determine the role of this variant in disease. Therefore, it has been classified as a Variant of Uncertain Significance.